The following is an entry in ClinVar:

ClinVar aggregate classification (germline): Pathogenic/Likely pathogenic. Review status: criteria provided, multiple submitters, no conflicts (2 of 4 stars). 5 submissions from 5 submitters: Pathogenic (2); Likely pathogenic (2). 1 of the submissions does not count toward it. Last evaluated 2025-09-23.

Conditions:
Cardiovascular phenotype. Identifiers: MedGen CN230736.
Walker-Warburg congenital muscular dystrophy. Also called: Muscular dystrophy-dystroglycanopathy, type A; Walker-Warburg syndrome. Identifiers: Orphanet 899, MedGen C0265221, MONDO:0000171.
Dilated cardiomyopathy 1X (CMD1X). Also called: FKTN-Related Dilated Cardiomyopathy; CARDIOMYOPATHY, DILATED, WITH MILD OR NO PROXIMAL MUSCLE WEAKNESS. Identifiers: Orphanet 154, MedGen C1969024, MONDO:0012704, OMIM 611615.
Muscular dystrophy-dystroglycanopathy (congenital with brain and eye anomalies), type A, 4 (MDDGA4). Also called: Congenital muscular dystrophy-dystroglycanopathy with brain and eye anomalies, type A4; Walker-Warburg Syndrome, Fktn-Related; Muscular dystrophy, congenital progressive, with mental retardation; Muscular dystrophy, congenital, with central nervous system involvement; Cerebromuscular dystrophy, Fukuyama type; Fukuyama congenital muscular dystrophy. Identifiers: Orphanet 272, Orphanet 588, Orphanet 899, MedGen C0410174, MONDO:0009678, OMIM 253800.

Allele frequency attached by ClinVar (database versions not stated): gnomAD exomes below 0.00001; gnomAD 0.00001; TOPMed 0.00001.

Submissions (5):

Ambry Genetics
Classification: Pathogenic for Cardiovascular phenotype. Last evaluated: 2025-09-23. Review status: criteria provided, single submitter. Criteria: Ambry Variant Classification Scheme 2023. Collection method: clinical testing. Allele origin: germline.
Comment: The c.1129_1130delAT pathogenic mutation, located in coding exon 8 of the FKTN gene, results from a deletion of two nucleotides at nucleotide positions 1129 to 1130, causing a translational frameshift with a predicted alternate stop codon (p.M377Vfs*26). This alteration occurs at the 3' terminus of theFKTN gene, is not expected to trigger nonsense-mediated mRNA decay, and impacts the last 18% of the protein. However, premature stop codons are typically deleterious in nature, a significant portion of the protein is affected, and the impacted region is critical for protein function (Ambry internal data). This variant is considered to be rare based on population cohorts in the Genome Aggregation Database (gnomAD). Based on the supporting evidence, this variant is interpreted as a disease-causing mutation.

Natera, Inc.
Classification: Likely pathogenic for Walker-Warburg congenital muscular dystrophy. Last evaluated: 2025-03-21. Review status: criteria provided, single submitter. Criteria: Natera Variant Classification Schema (03/2026). Collection method: clinical testing. Allele origin: germline.
Comment: The c.1129_1130delAT variant in FKTN is a frameshift variant predicted to shift the reading frame beginning at codon 377 and leads to a stop codon 26 codons downstream. This variant is expected to result in nonsense mediated decay, truncation, or a dysfunctional protein product. This variant is rare in the general population with a frequency below the threshold expected for the associated phenotype(s). Given the available evidence, this variant is classified as Likely Pathogenic.

Labcorp Genetics (formerly Invitae), Labcorp
Classification: Pathogenic for Walker-Warburg congenital muscular dystrophy. Last evaluated: 2024-09-09. Review status: criteria provided, single submitter. Criteria: Invitae Variant Classification Sherloc (09022015). Collection method: clinical testing. Allele origin: germline.
Comment: This sequence change creates a premature translational stop signal (p.Met377Valfs*26) in the FKTN gene. While this is not anticipated to result in nonsense mediated decay, it is expected to disrupt the last 85 amino acid(s) of the FKTN protein. This variant is not present in population databases (gnomAD no frequency). This variant has not been reported in the literature in individuals affected with FKTN-related conditions. ClinVar contains an entry for this variant (Variation ID: 557908). This variant disrupts a region of the FKTN protein in which other variant(s) (p.Asp455Metfs*12) have been determined to be pathogenic (PMID: 17044012). This suggests that this is a clinically significant region of the protein, and that variants that disrupt it are likely to be disease-causing. For these reasons, this variant has been classified as Pathogenic.

Baylor Genetics
Classification: Likely pathogenic for Dilated cardiomyopathy 1X. Last evaluated: 2023-12-26. Review status: criteria provided, single submitter. Criteria: ACMG Guidelines, 2015. Collection method: clinical testing. Allele origin: unknown.

Counsyl
Classification: Likely pathogenic for Muscular dystrophy-dystroglycanopathy (congenital with brain and eye anomalies), type A, 4. Last evaluated: 2018-04-16. Review status: no assertion criteria provided. Collection method: clinical testing. Allele origin: unknown. Not counted in ClinVar's aggregate classification.

Literature cited by the submitters: PubMed 17044012 (cited by Labcorp Genetics (formerly Invitae), Labcorp).

NM_001079802.2(FKTN):c.1129_1130del (p.Met377fs)

Gene: FKTN (fukutin; plus strand). Cytogenetic location: 9q31.2.
Variant type: Deletion.
Coding change: c.1129_1130del on transcript NM_001079802.2 (MANE Select); coding-DNA positions 1129 to 1130, 2 bases deleted (AT; older notation c.1129_1130delAT).
Protein change: p.Met377fs; shifts the reading frame from methionine 377.
Molecular consequence: frameshift variant. On other transcripts: non-coding transcript variant (2).
Genome position (GRCh38, 1-based): chr9:105,620,018-105,620,019, AT deleted. VCF-style (leftmost placement, unchanged base first): chr9-105620017-CAT-C. GRCh37 (hg19) VCF-style: chr9-108382298-CAT-C.
Other names: c.1129_1130del, p.Met377fs (NM_001198963.2, NM_001351496.2, NM_001351498.2 and 1 more transcripts); c.1060_1061del, p.Met354fs (NM_001351497.2); c.733_734del, p.Met245fs (NM_001351499.2, NM_001351500.2, NM_001351501.2 and 1 more transcripts); c.1129_1130delAT (NM_001079802.1); short protein forms M245fs, M354fs, M377fs.
Identifiers: ClinVar variation 557908 (VCV000557908.11), dbSNP rs1554761402, ClinGen allele CA658823356.